The following is an entry in ClinVar:

NM_000361.3(THBD):c.1189A>G (p.Ile397Val)

Gene: THBD (thrombomodulin; minus strand). Cytogenetic location: 20p11.21.
Variant type: single nucleotide variant.
Coding change: c.1189A>G on transcript NM_000361.3 (MANE Select); coding-DNA position 1189, A replaced by G.
Protein change: p.Ile397Val; replaces isoleucine 397 with valine.
Molecular consequence: missense variant.
Genome position (GRCh38, 1-based): chr20:23,048,316, T>C on the plus strand (A>G on the coding strand, the complement: THBD is on the minus strand). VCF-style: chr20-23048316-T-C. GRCh37 (hg19) VCF-style: chr20-23028953-T-C.
Other names: short protein forms I397V.
Identifiers: ClinVar variation 3698729 (VCV003698729.2).

ClinVar aggregate classification (germline): Uncertain significance (1 of 4 stars; one submission).

gnomAD v4.1: 3 of 1,613,800 alleles (0.00019%); highest among the groups gnomAD compares: African/African-American, 0.0013%; no homozygotes.

Submission:

Labcorp Genetics (formerly Invitae), Labcorp
Classification: Uncertain significance. Last evaluated: 2024-12-19. Review status: criteria provided, single submitter. Criteria: Invitae Variant Classification Sherloc (09022015). Collection method: clinical testing. Allele origin: germline.
Comment: This sequence change replaces isoleucine, which is neutral and non-polar, with valine, which is neutral and non-polar, at codon 397 of the THBD protein (p.Ile397Val). This variant is not present in population databases (gnomAD no frequency). This variant has not been reported in the literature in individuals affected with THBD-related conditions. Invitae Evidence Modeling of protein sequence and biophysical properties (such as structural, functional, and spatial information, amino acid conservation, physicochemical variation, residue mobility, and thermodynamic stability) indicates that this missense variant is not expected to disrupt THBD protein function with a negative predictive value of 80%. In summary, the available evidence is currently insufficient to determine the role of this variant in disease. Therefore, it has been classified as a Variant of Uncertain Significance.